The following is an entry in ClinVar:

NM_001374353.1(GLI2):c.220C>G (p.His74Asp)

Gene: GLI2 (GLI family zinc finger 2; plus strand). Cytogenetic location: 2q14.2.
Variant type: single nucleotide variant.
Coding change: c.220C>G on transcript NM_001374353.1 (MANE Select); coding-DNA position 220, C replaced by G.
Protein change: p.His74Asp; replaces histidine 74 with aspartic acid.
Molecular consequence: missense variant. On other transcripts: intron variant (1).
Genome position (GRCh38, 1-based): chr2:120,927,432, C>G. VCF-style: chr2-120927432-C-G. GRCh37 (hg19) VCF-style: chr2-121685008-C-G.
Other names: c.220C>G, p.His74Asp (NM_001371271.1, NM_005270.5); c.-121-23811C>G (NM_001374354.1); short protein forms H74D.
Identifiers: ClinVar variation 3030636 (VCV003030636.2), dbSNP rs201945889, ClinGen allele CA348160819.
Genomic context (GRCh38, chr2:120,927,432, plus strand): 5'-CTCTTGCCACCATTCCATGCGCCCCTACCGATTGACATGCGACACCAGGAAGGAAGGTAC[C>G]ATTACGAGCCTCATTCTGTCCACGGTGTGCACGGGTAAGTCCTGCCCTCTGCCTGCTGCT-3'
Protein context (NP_001361282.1, residues 64-84): IDMRHQEGRY[His74Asp]YEPHSVHGVH

ClinVar aggregate classification (germline): Uncertain significance (0 of 4 stars; one submission).

Conditions:
GLI2-related disorder. Also called: GLI2-related disorders; GLI2-related condition.

gnomAD v4.1: 1 of 1,613,754 alleles (0.000062%); highest among the groups gnomAD compares: Admixed American, 0.0017%; no homozygotes.

Submission:

PreventionGenetics, part of Exact Sciences
Classification: Uncertain significance for GLI2-related condition. Last evaluated: 2023-10-31. Review status: no assertion criteria provided. Collection method: clinical testing. Allele origin: germline.
Comment: The GLI2 c.220C>G variant is predicted to result in the amino acid substitution p.His74Asp. To our knowledge, this variant has not been reported in the literature or in a large population database, indicating this variant is rare. At this time, the clinical significance of this variant is uncertain due to the absence of conclusive functional and genetic evidence.